The following is an entry in ClinVar:

NM_002437.5(MPV17):c.293C>T (p.Pro98Leu)

Gene: MPV17 (mitochondrial inner membrane protein MPV17; minus strand). Cytogenetic location: 2p23.3.
Variant type: single nucleotide variant.
Coding change: c.293C>T on transcript NM_002437.5 (MANE Select); coding-DNA position 293, C replaced by T.
Protein change: p.Pro98Leu; replaces proline 98 with leucine.
Molecular consequence: missense variant.
Genome position (GRCh38, 1-based): chr2:27,312,576, G>A on the plus strand (C>T on the coding strand, the complement: MPV17 is on the minus strand). VCF-style: chr2-27312576-G-A. GRCh37 (hg19) VCF-style: chr2-27535443-G-A.
Other names: p.P98L:CCG>CTG; short protein forms P98L.
Identifiers: ClinVar variation 38355 (VCV000038355.44), dbSNP rs267607258, ClinGen allele CA322609.
Genomic context (GRCh38, chr2:27,312,576, plus strand): 5'-TCCTGGGCTGACAGTCCATTAAGTGCCCCTACCAGTGGGAGAAAGCAGCCTAGAAAACAC[G>A]GGGCAAAGCCCCCCTAGGGAAGAGAAATTAAAGTCCTATGAGTGCTGAAATCCCCACCTA-3'
Protein context (NP_002428.1, residues 88-108): KMLLDQGGFA[Pro98Leu]CFLGCFLPLV

ClinVar aggregate classification (germline): Pathogenic/Likely pathogenic. Review status: criteria provided, multiple submitters, no conflicts (2 of 4 stars). 20 submissions from 20 submitters: Pathogenic (16); Likely pathogenic (1). 3 of the submissions do not count toward it. Last evaluated 2026-04-06.

Conditions:
Charcot-Marie-Tooth disease, axonal, type 2EE. Also called: CHARCOT-MARIE-TOOTH NEUROPATHY, TYPE 2EE. Identifiers: MedGen C5193076, MONDO:0032728, OMIM 618400.
Mitochondrial DNA depletion syndrome 6 (hepatocerebral type). Also called: Navajo neurohepatopathy; NAVAJO NEUROPATHY; Mitochondrial DNA depletion syndrome type 6. Identifiers: Orphanet 255229, MedGen C1850406, MONDO:0009747, OMIM 256810.
MPV17-related disorder. Also called: MPV17-related disorders; MPV17-related condition. Identifiers: MedGen CN239328.
Mitochondrial DNA maintenance disorder.
Mitochondrial DNA depletion syndrome, hepatocerebral form. Identifiers: Orphanet 254871, MedGen C3711385, MONDO:0100512.
Mitochondrial DNA depletion syndrome. Also called: mitochondrial DNA depletion. Identifiers: Orphanet 35698, MedGen C0342782, MONDO:0018158.

Allele frequency attached by ClinVar (database versions not stated): ExAC 0.00004; TOPMed 0.00005; gnomAD exomes 0.00006.

Submissions 1 to 12 of 20:

Unidad de Genómica Garrahan, Hospital de Pediatría Garrahan
Classification: Pathogenic for Mitochondrial DNA depletion syndrome 6 (hepatocerebral type). Last evaluated: 2026-04-06. Review status: criteria provided, single submitter. Criteria: ACMG Guidelines, 2015. Collection method: clinical testing. Allele origin: unknown. Inheritance: Autosomal recessive inheritance. Affected: yes.
Comment: A missense variant, NM_002437.5:c.293C>T, was identified in exon 5 of the MPV17 gene in a heterozygous state. This variant results in a proline-to-leucine substitution at position 98 at the protein level (p.(Pro98Leu)). This variant exhibits a low frequency in population databases and has not been reported in the homozygous state. Bioinformatic prediction algorithms suggest a deleterious effect (REVEL 0.88), in agreement with functional studies (PMID: 25861990). The variant has been reported in at least ten individuals with mitochondrial DNA depletion syndromes, including four in the homozygous state and six in a compound heterozygous state (PMIDs: 22508010; 25129007; 23714749; 27536553; 20074988). Furthermore, it has multiple entries in ClinVar (VCV000038355.38) as pathogenic, associated with mitochondrial DNA depletion syndrome. This variant was identified in the heterozygous state together with a second pathogenic variant in the MPV17 gene, NM_002437.5: c.22del p.(Gln8Serfs*14) (ClinVar ID VCV002985253.3). However, parental segregation studies were not available to determine the allelic phase of these variants. (PM2supp, PS3supp, PM3very strong)

CeGaT Center for Human Genetics Tuebingen
Classification: Pathogenic. Last evaluated: 2025-09-01. Review status: criteria provided, single submitter. Criteria: CeGaT Center For Human Genetics Tuebingen Variant Classification Criteria Version 2. Collection method: clinical testing. Allele origin: germline. Affected: yes. Observed: 1 variant allele.
Comment: MPV17: PM3:Very Strong, PM2, PS3:Supporting

Genetics Laboratory, Great Ormond Street Hospital NHS Foundation Trust, North Thames Genomic Laboratory Hub
Classification: Likely pathogenic for Mitochondrial DNA maintenance disorder. Last evaluated: 2025-08-22. Review status: criteria provided, single submitter. Criteria: ACGS Best Practice Guidelines for Variant Classification in Rare Disease 2024 v1.2. Collection method: clinical testing. Allele origin: germline. Affected: yes.
Comment: PM2_supporting, PP3_supporting, PS3_supporting, PM3_strong

Natera, Inc.
Classification: Pathogenic for Mitochondrial DNA depletion syndrome, hepatocerebral form. Last evaluated: 2025-08-14. Review status: criteria provided, single submitter. Criteria: Natera Variant Classification Schema (03/2026). Collection method: clinical testing. Allele origin: germline.
Comment: The c.293C>T variant in MPV17 is a missense variant predicted to cause substitution of proline to leucine at amino acid 98. This variant is rare in the general population with a frequency below the threshold expected for the associated phenotype(s). This variant has been observed in one or more individuals affected with the associated recessive disease, as either homozygous or compound heterozygous with a second variant (PMID: 22508010, 25129007, 28776642). Computational prediction algorithms indicate this variant is likely to affect gene or protein function. Given the available evidence, this variant is classified as Pathogenic.

Labcorp Genetics (formerly Invitae), Labcorp
Classification: Pathogenic. Last evaluated: 2025-06-07. Review status: criteria provided, single submitter. Criteria: Invitae Variant Classification Sherloc (09022015). Collection method: clinical testing. Allele origin: germline.
Comment: This sequence change replaces proline, which is neutral and non-polar, with leucine, which is neutral and non-polar, at codon 98 of the MPV17 protein (p.Pro98Leu). This variant is present in population databases (rs267607258, gnomAD 0.02%). This missense change has been observed in individual(s) with mitochondrial DNA depletion syndrome (PMID: 20074988, 22508010, 23714749, 25129007, 27536553). In at least one individual the data is consistent with being in trans (on the opposite chromosome) from a pathogenic variant. ClinVar contains an entry for this variant (Variation ID: 38355). Invitae Evidence Modeling of protein sequence and biophysical properties (such as structural, functional, and spatial information, amino acid conservation, physicochemical variation, residue mobility, and thermodynamic stability) indicates that this missense variant is expected to disrupt MPV17 protein function with a positive predictive value of 95%. Experimental studies have shown that this missense change affects MPV17 function (PMID: 25861990). For these reasons, this variant has been classified as Pathogenic.

Fulgent Genetics
Classification: Pathogenic for Mitochondrial DNA depletion syndrome 6 (hepatocerebral type); Charcot-Marie-Tooth disease, axonal, type 2EE. Last evaluated: 2024-05-08. Review status: criteria provided, single submitter. Criteria: ACMG Guidelines, 2015. Collection method: clinical testing. Allele origin: germline.

Baylor Genetics
Classification: Pathogenic for Charcot-Marie-Tooth disease, axonal, type 2EE. Last evaluated: 2024-03-14. Review status: criteria provided, single submitter. Criteria: ACMG Guidelines, 2015. Collection method: clinical testing. Allele origin: unknown.

Women's Health and Genetics/Laboratory Corporation of America, LabCorp
Classification: Pathogenic for Mitochondrial DNA depletion syndrome. Last evaluated: 2023-11-10. Review status: criteria provided, single submitter. Criteria: LabCorp Variant Classification Summary - May 2015. Collection method: clinical testing. Allele origin: germline.
Comment: Variant summary: MPV17 c.293C>T (p.Pro98Leu) results in a non-conservative amino acid change in the encoded protein sequence. Five of five in-silico tools predict a damaging effect of the variant on protein function. The variant allele was found at a frequency of 5.6e-05 in 251314 control chromosomes. This frequency is not significantly higher than estimated for a pathogenic variant in MPV17 causing Mitochondrial DNA Depletion Syndrome - MPV17 Related (5.6e-05 vs 0.0011), allowing no conclusion about variant significance. c.293C>T has been reported in the literature in multiple individuals affected with Mitochondrial DNA Depletion Syndrome - MPV17 Related (e.g. Blakely_2015, El-Hattab_2010, Uusimaa_2014, Mundlamuri_2021). These data indicate that the variant is very likely to be associated with disease. At least one publication reports experimental evidence evaluating an impact on protein function,that this variant may affect gating properties of the channel (Antonenkov_2015). Ten submitters have cited clinical-significance assessments for this variant to ClinVar after 2014. The following publications have been ascertained in the context of this evaluation (PMID: 25861990, 22508010, 20074988, 34979697, 23714749). All submitters classified the variant as pathogenic. Based on the evidence outlined above, the variant was classified as pathogenic.

GeneDx
Classification: Pathogenic. Last evaluated: 2023-09-20. Review status: criteria provided, single submitter. Criteria: GeneDx Variant Classification Process June 2021. Collection method: clinical testing. Allele origin: germline. Affected: yes.
Comment: Published functional studies demonstrate a damaging effect as P98L results in a MPV17-channel that was prone to closing under reducing conditions and did not close completely compared to the wild-type channel (Antonenkov et al., 2015); In silico analysis supports that this missense variant has a deleterious effect on protein structure/function; Missense variants in this gene are often considered pathogenic (HGMD); This variant is associated with the following publications: (PMID: 24190800, 22508010, 20074988, 23714749, 27536553, 27896091, 28776642, 32703289, 33083013, 34023347, 35314707, 34979697, 34052969, 25861990, 24077912)

Blueprint Genetics
Classification: Pathogenic for MPV17-related disorders. Last evaluated: 2023-07-18. Review status: criteria provided, single submitter. Criteria: ACMG Guidelines, 2015. Collection method: clinical testing. Allele origin: germline. Affected: yes. Observed: 3 variant alleles.

MGZ Medical Genetics Center
Classification: Pathogenic for Mitochondrial DNA depletion syndrome 6 (hepatocerebral type). Last evaluated: 2022-04-22. Review status: criteria provided, single submitter. Criteria: ACMG Guidelines, 2015. Collection method: clinical testing. Allele origin: germline. Affected: yes. Observed: 1 variant allele.
Comment: ACMG criteria applied: PS3, PS4, PM3, PM2_SUP, PP3

Laboratory of Medical Genetics, National & Kapodistrian University of Athens
Classification: Pathogenic for Mitochondrial DNA depletion syndrome 6 (hepatocerebral type). Last evaluated: 2021-10-05. Review status: criteria provided, single submitter. Criteria: ACMG Guidelines, 2015. Collection method: clinical testing. Allele origin: unknown. Affected: yes.
Comment: PM1, PM2, PP3, PP5